The following is an entry in ClinVar:

ClinVar aggregate classification (germline): Uncertain significance (1 of 4 stars; one submission).

Conditions:
Arrhythmogenic right ventricular cardiomyopathy (ARVD). Also called: Arrhythmogenic right ventricular dysplasia; Cardiomyopathy, ARVC; Arrhythmogenic cardiomyopathy; Arrhythmogenic Right Ventricular Cardiomyopathy (ARVC). Identifiers: Orphanet 247, MedGen C0349788, MeSH D019571, MONDO:0016587. Disease mechanism: loss of function. Inheritance: Various modes of inheritance.

Submission:

All of Us Research Program, National Institutes of Health
Classification: Uncertain significance for Arrhythmogenic right ventricular cardiomyopathy. Last evaluated: 2024-05-30. Review status: criteria provided, single submitter. Criteria: ACMG Guidelines, 2015. Collection method: clinical testing. Allele origin: germline. Inheritance: Autosomal dominant inheritance. Observed: 1 variant allele, 1 heterozygote.
Comment: This missense variant replaces threonine with alanine at codon 791 of the DSG2 protein. Computational prediction suggests that this variant may not impact protein structure and function (internally defined REVEL score threshold <= 0.5, PMID: 27666373). To our knowledge, functional studies have not been reported for this variant. This variant has not been reported in individuals affected with DSG2-related disorders in the literature. This variant has not been identified in the general population by the Genome Aggregation Database (gnomAD). The available evidence is insufficient to determine the role of this variant in disease conclusively. Therefore, this variant is classified as a Variant of Uncertain Significance.

This study involves interpretation of variants in research participants for the purpose of population health screening. Participant phenotype was not available at the time of variant classification. Additional details can be found in publication PMID: 35346344, PMCID: PMC8962531

NM_001943.5(DSG2):c.2371A>G (p.Thr791Ala)

Genes: DSG2-AS1 (DSG2 antisense RNA 1; minus strand), DSG2 (desmoglein 2; plus strand). Cytogenetic location: 18q12.1.
Variant type: single nucleotide variant.
Coding change: c.2371A>G on transcript NM_001943.5 (MANE Select); coding-DNA position 2371, A replaced by G.
Protein change: p.Thr791Ala; replaces threonine 791 with alanine.
Molecular consequence: missense variant. On other transcripts: non-coding transcript variant (1).
Genome position (GRCh38, 1-based): chr18:31,545,757, A>G. VCF-style: chr18-31545757-A-G. GRCh37 (hg19) VCF-style: chr18-29125720-A-G.
Other names: short protein forms T791A.
Identifiers: ClinVar variation 3386601 (VCV003386601.1).